The following is an entry in ClinVar:

NM_001377265.1(MAPT):c.2010TAA[1] (p.Asn671del)

Gene: MAPT (microtubule associated protein tau). Cytogenetic location: 17q21.31.
Variant type: Microsatellite.
Coding change: c.2010TAA[1] on transcript NM_001377265.1 (MANE Select); one copy of the 3-base unit TAA starting at c.2010.
Protein change: p.Asn671del; deletes asparagine 671.
Molecular consequence: intron variant (on NM_001377267.1).
Genome position: GRCh38 VCF-style: chr17-46010320-TTAA-T. GRCh37 (hg19) VCF-style: chr17-44087686-TTAA-T.
Other names: c.1788_1790del (NM_016835.5); c.736-3919_736-3917del (NM_001377267.1, NM_001203251.2); c.649-3919_649-3917del (NM_016841.5, NM_001377268.1); c.1839TAA[1], p.Asn614del (NM_001123066.4); c.747TAA[1], p.Asn250del (NM_001123067.4); c.834TAA[1], p.Asn279del (NM_005910.6); c.660TAA[1], p.Asn221del (NM_016834.5); c.1785TAA[1], p.Asn596del (NM_016835.5); and 2 more; short protein forms N250del, N596del, N614del, N221del, N279del, N671del.
Identifiers: ClinVar variation 4056341 (VCV004056341.1).

ClinVar aggregate classification (germline): Likely pathogenic (1 of 4 stars; one submission).

Conditions:
Frontotemporal dementia (FTD1). Also called: FRONTOTEMPORAL LOBAR DEGENERATION WITH TAU INCLUSIONS; FTLD WITH TAU INCLUSIONS; FRONTOTEMPORAL DEMENTIA WITH PARKINSONISM; FRONTOTEMPORAL LOBE DEMENTIA; MULTIPLE SYSTEM TAUOPATHY WITH PRESENILE DEMENTIA; WILHELMSEN-LYNCH DISEASE. Identifiers: Orphanet 282, MedGen C0338451, MONDO:0017276, OMIM 600274, HP:0002145.

Submission:

Institute of Human Genetics, University of Leipzig Medical Center
Classification: Likely pathogenic for Frontotemporal dementia. Last evaluated: 2025-06-17. Review status: criteria provided, single submitter. Criteria: ACMG Guidelines, 2015. Collection method: clinical testing. Allele origin: unknown. Inheritance: Autosomal dominant inheritance. Affected: yes.
Comment: Criteria applied: PM1,PM2,PM4,PP4